The following is an entry in ClinVar:

ClinVar aggregate classification (germline): Uncertain significance (1 of 4 stars; one submission).

Conditions:
IFT140-related disorder. Also called: IFT140-related condition.

Allele frequency attached by ClinVar (database versions not stated): gnomAD exomes below 0.00001; gnomAD 0.00001.
gnomAD v4.1: 2 of 1,612,230 alleles (0.00012%); highest among the groups gnomAD compares: African/African-American, 0.0013%; no homozygotes.

Submission:

PreventionGenetics, part of Exact Sciences
Classification: Uncertain significance for IFT140-related condition. Last evaluated: 2022-12-30. Review status: criteria provided, single submitter. Criteria: ACMG Guidelines, 2015. Collection method: clinical testing. Allele origin: germline.
Comment: The IFT140 c.4359G>C variant is predicted to result in the amino acid substitution p.Glu1453Asp. To our knowledge, this variant has not been reported in the literature or in a large population database, indicating this variant is rare. At this time, the clinical significance of this variant is uncertain due to the absence of conclusive functional and genetic evidence.

NM_014714.4(IFT140):c.4359G>C (p.Glu1453Asp)

Gene: IFT140 (intraflagellar transport 140; minus strand). Cytogenetic location: 16p13.3.
Variant type: single nucleotide variant.
Coding change: c.4359G>C on transcript NM_014714.4 (MANE Select); coding-DNA position 4359, G replaced by C.
Protein change: p.Glu1453Asp; replaces glutamic acid 1453 with aspartic acid.
Molecular consequence: missense variant.
Genome position (GRCh38, 1-based): chr16:1,510,974, C>G on the plus strand (G>C on the coding strand, the complement: IFT140 is on the minus strand). VCF-style: chr16-1510974-C-G. GRCh37 (hg19) VCF-style: chr16-1560975-C-G.
Other names: short protein forms E1453D.
Identifiers: ClinVar variation 2630040 (VCV002630040.1), dbSNP rs2040122567, ClinGen allele CA394222236.